The following is an entry in ClinVar:

ClinVar aggregate classification (germline): Likely benign. Review status: criteria provided, multiple submitters, no conflicts (2 of 4 stars). 3 submissions from 3 submitters: Likely benign (3). Last evaluated 2026-08-03.

Conditions:
FREM1-related disorder. Also called: FREM1-Related Disorders; FREM1-related condition.

Allele frequency attached by ClinVar (database versions not stated): ExAC 0.00001; gnomAD exomes 0.00002; TOPMed 0.00002; gnomAD 0.00005 and 0.00006; ESP Exome Variant Server 0.00008.
gnomAD v4.1: 37 of 1,613,866 alleles (0.0023%); highest among the groups gnomAD compares: Admixed American, 0.0033%; no homozygotes.

Submissions (3):

PreventionGenetics, part of Exact Sciences
Classification: Likely benign for FREM1-related condition. Last evaluated: 2026-08-03. Review status: criteria provided, single submitter. Criteria: ACMG Guidelines, 2015. Collection method: clinical testing. Allele origin: germline.
Comment: This variant is classified as likely benign based on ACMG/AMP sequence variant interpretation guidelines (Richards et al. 2015 PMID: 25741868, with internal and published modifications).

Labcorp Genetics (formerly Invitae), Labcorp
Classification: Likely benign. Last evaluated: 2023-12-02. Review status: criteria provided, single submitter. Criteria: Invitae Variant Classification Sherloc (09022015). Collection method: clinical testing. Allele origin: germline.

CeGaT Center for Human Genetics Tuebingen
Classification: Likely benign. Last evaluated: 2023-01-01. Review status: criteria provided, single submitter. Criteria: CeGaT Center For Human Genetics Tuebingen Variant Classification Criteria Version 2. Collection method: clinical testing. Allele origin: germline. Affected: yes. Observed: 1 variant allele.
Comment: FREM1: BP4, BP7

NM_001379081.2(FREM1):c.3573A>G (p.Pro1191=)

Gene: FREM1 (FRAS1 related extracellular matrix 1; minus strand). Cytogenetic location: 9p22.3.
Variant type: single nucleotide variant.
Coding change: c.3573A>G on transcript NM_001379081.2 (MANE Select); coding-DNA position 3573, A replaced by G.
Protein change: p.Pro1191=; no amino-acid change (proline 1191 retained).
Molecular consequence: synonymous variant. On other transcripts: non-coding transcript variant (2).
Genome position (GRCh38, 1-based): chr9:14,801,773, T>C on the plus strand (A>G on the coding strand, the complement: FREM1 is on the minus strand). VCF-style: chr9-14801773-T-C. GRCh37 (hg19) VCF-style: chr9-14801771-T-C.
Other names: c.3573A>G, p.Pro1191= (NM_144966.7).
Identifiers: ClinVar variation 725231 (VCV000725231.31), dbSNP rs375774862, ClinGen allele CA4990503.